The following is an entry in ClinVar:

ClinVar aggregate classification (germline): Uncertain significance. Review status: criteria provided, multiple submitters, no conflicts (2 of 4 stars). 4 submissions from 4 submitters: Uncertain significance (4). Last evaluated 2025-11-17.

Conditions:
Fanconi anemia (FA). Also called: Fanconi's anemia. Identifiers: Orphanet 84, MedGen C0015625, MeSH D005199, MONDO:0019391.
Inborn genetic diseases. Identifiers: MedGen C0950123, MeSH D030342.
Fanconi anemia complementation group I (FANCI). Also called: FANCI-Related Fanconi Anemia. Identifiers: Orphanet 84, MedGen C1836861, MONDO:0012186, OMIM 609053.

Allele frequency attached by ClinVar (database versions not stated): TOPMed below 0.00001; gnomAD 0.00001; ExAC 0.00002; gnomAD exomes 0.00002 and 0.00003.
gnomAD v4.1: 33 of 1,614,000 alleles (0.002%); highest among the groups gnomAD compares: Non-Finnish European, 0.0026%; no homozygotes.

Submissions (4):

Labcorp Genetics (formerly Invitae), Labcorp
Classification: Uncertain significance for Fanconi anemia. Last evaluated: 2025-11-17. Review status: criteria provided, single submitter. Criteria: Invitae Variant Classification Sherloc (09022015). Collection method: clinical testing. Allele origin: germline.
Comment: This sequence change replaces phenylalanine, which is neutral and non-polar, with isoleucine, which is neutral and non-polar, at codon 729 of the FANCI protein (p.Phe729Ile). This variant is present in population databases (rs757610698, gnomAD 0.006%). This variant has not been reported in the literature in individuals affected with FANCI-related conditions. ClinVar contains an entry for this variant (Variation ID: 887962). Invitae Evidence Modeling of protein sequence and biophysical properties (such as structural, functional, and spatial information, amino acid conservation, physicochemical variation, residue mobility, and thermodynamic stability) indicates that this missense variant is expected to disrupt FANCI protein function with a positive predictive value of 80%. In summary, the available evidence is currently insufficient to determine the role of this variant in disease. Therefore, it has been classified as a Variant of Uncertain Significance.

Ambry Genetics
Classification: Uncertain significance for Inborn genetic diseases. Last evaluated: 2025-08-31. Review status: criteria provided, single submitter. Criteria: Ambry Variant Classification Scheme 2023. Collection method: clinical testing. Allele origin: germline.

Blueprint Genetics
Classification: Uncertain significance. Last evaluated: 2021-08-09. Review status: criteria provided, single submitter. Criteria: ACMG Guidelines, 2015. Collection method: clinical testing. Allele origin: germline.

Illumina Laboratory Services, Illumina
Classification: Uncertain significance for Fanconi anemia complementation group I. Last evaluated: 2018-01-12. Review status: criteria provided, single submitter. Criteria: ICSL Variant Classification Criteria 13 December 2019. Collection method: clinical testing. Allele origin: germline.

NM_001113378.2(FANCI):c.2185T>A (p.Phe729Ile)

Gene: FANCI (FA complementation group I; plus strand). Cytogenetic location: 15q26.1.
Variant type: single nucleotide variant.
Coding change: c.2185T>A on transcript NM_001113378.2 (MANE Select); coding-DNA position 2185, T replaced by A.
Protein change: p.Phe729Ile; replaces phenylalanine 729 with isoleucine.
Molecular consequence: missense variant.
Genome position (GRCh38, 1-based): chr15:89,292,957, T>A. VCF-style: chr15-89292957-T-A. GRCh37 (hg19) VCF-style: chr15-89836188-T-A.
Other names: c.1906T>A, p.Phe636Ile (NM_001376910.1); c.2185T>A, p.Phe729Ile (NM_001376911.1, NM_018193.3); short protein forms F729I, F636I.
Identifiers: ClinVar variation 887962 (VCV000887962.14), dbSNP rs757610698, ClinGen allele CA7723309.
Genomic context (GRCh38, chr15:89,292,957, plus strand): 5'-TGGAGTTCTTTAGTAGCTTGTTAATTTTTATCTTGTGTCTTTTAGGATAAATCAGCAGAT[T>A]TTTCTCAGAGCACCAGTATTGGCATAAAAAATAATATCTGTGCTTTTCTTGTGATGGGAG-3'
Protein context (NP_001106849.1, residues 719-739): EDFELDKSAD[Phe729Ile]SQSTSIGIKN